The following is an entry in ClinVar:

ClinVar aggregate classification (germline): Uncertain significance. Review status: criteria provided, multiple submitters, no conflicts (2 of 4 stars). 3 submissions from 3 submitters: Uncertain significance (3). Last evaluated 2025-05-15.

Conditions:
Inborn genetic diseases. Identifiers: MedGen C0950123, MeSH D030342.
Fanconi anemia (FA). Also called: Fanconi's anemia. Identifiers: Orphanet 84, MedGen C0015625, MeSH D005199, MONDO:0019391.

Allele frequency attached by ClinVar (database versions not stated): gnomAD exomes below 0.00001; gnomAD 0.00001.
gnomAD v4.1: 2 of 1,613,578 alleles (0.00012%); highest among the groups gnomAD compares: Non-Finnish European, 0.00017%; no homozygotes.

Submissions (3):

Ambry Genetics
Classification: Uncertain significance for Inborn genetic diseases. Last evaluated: 2025-05-15. Review status: criteria provided, single submitter. Criteria: Ambry Variant Classification Scheme 2023. Collection method: clinical testing. Allele origin: germline.
Comment: The p.A1446V variant (also known as c.4337C>T), located in coding exon 43 of the FANCA gene, results from a C to T substitution at nucleotide position 4337. The alanine at codon 1446 is replaced by valine, an amino acid with similar properties. This amino acid position is conserved. In addition, this alteration is predicted to be tolerated by in silico analysis. Based on the available evidence, the clinical significance of this variant remains unclear.

Quest Diagnostics Nichols Institute San Juan Capistrano
Classification: Uncertain significance. Last evaluated: 2023-04-26. Review status: criteria provided, single submitter. Criteria: Quest Diagnostics criteria. Collection method: clinical testing. Allele origin: unknown.
Comment: The variant has not been reported in the published literature. The frequency of this variant in the general population, 0.0000066 (1/152198 chromosomes), is uninformative in assessment of its pathogenicity. Analysis of this variant using bioinformatics tools for the prediction of the effect of amino acid changes on protein structure and function yielded predictions that this variant is benign. Based on the available information, we are unable to determine the clinical significance of this variant.

Labcorp Genetics (formerly Invitae), Labcorp
Classification: Uncertain significance for Fanconi anemia. Last evaluated: 2022-02-05. Review status: criteria provided, single submitter. Criteria: Invitae Variant Classification Sherloc (09022015). Collection method: clinical testing. Allele origin: germline.
Comment: This sequence change replaces alanine, which is neutral and non-polar, with valine, which is neutral and non-polar, at codon 1446 of the FANCA protein (p.Ala1446Val). This variant is not present in population databases (gnomAD no frequency). This variant has not been reported in the literature in individuals affected with FANCA-related conditions. Advanced modeling of protein sequence and biophysical properties (such as structural, functional, and spatial information, amino acid conservation, physicochemical variation, residue mobility, and thermodynamic stability) performed at Invitae indicates that this missense variant is not expected to disrupt FANCA protein function. In summary, the available evidence is currently insufficient to determine the role of this variant in disease. Therefore, it has been classified as a Variant of Uncertain Significance.

NM_000135.4(FANCA):c.4337C>T (p.Ala1446Val)

Genes: FANCA (FA complementation group A; minus strand), ZNF276 (zinc finger protein 276; plus strand). Cytogenetic location: 16q24.3.
Variant type: single nucleotide variant.
Coding change: c.4337C>T on transcript NM_000135.4 (MANE Select); coding-DNA position 4337, C replaced by T.
Protein change: p.Ala1446Val; replaces alanine 1446 with valine.
Molecular consequence: missense variant. On other transcripts: 3 prime UTR variant (3), non-coding transcript variant (4).
Genome position (GRCh38, 1-based): chr16:89,738,632, G>A on the plus strand (C>T on the coding strand, the complement: FANCA is on the minus strand). VCF-style: chr16-89738632-G-A. GRCh37 (hg19) VCF-style: chr16-89805040-G-A.
Other names: c.*66C>T (NM_001286167.3); c.*386G>A (NM_001113525.2, NM_152287.4); short protein forms A1446V.
Identifiers: ClinVar variation 1398872 (VCV001398872.7), dbSNP rs2062029094, ClinGen allele CA397483012.